The following is an entry in ClinVar:

NM_001382567.1(STIM1):c.10T>C (p.Cys4Arg)

Genes: STIM1 (stromal interaction molecule 1; plus strand), LOC130005165 (ATAC-STARR-seq lymphoblastoid active region 4312; plus strand). Cytogenetic location: 11p15.4.
Variant type: single nucleotide variant.
Coding change: c.10T>C on transcript NM_001382567.1 (MANE Select); coding-DNA position 10, T replaced by C.
Protein change: p.Cys4Arg; replaces cysteine 4 with arginine.
Molecular consequence: missense variant. On other transcripts: synonymous variant (1), 5 prime UTR variant (1), non-coding transcript variant (3), intron variant (10).
Genome position (GRCh38, 1-based): chr11:3,856,280, T>C. VCF-style: chr11-3856280-T-C. GRCh37 (hg19) VCF-style: chr11-3877510-T-C.
Other names: c.10T>C, p.Cys4Arg (NM_001277961.3, NM_001277962.2, NM_001382568.1 and 3 more transcripts); c.6T>C, p.Tyr2= (NM_001382569.1); c.-228T>C (NM_001382571.1); c.-84+1544T>C (NM_001382578.1, NM_001382575.1, NM_001382574.1); c.-220+1544T>C (NM_001382580.1, NM_001382581.1); c.-84+1626T>C (NM_001382576.1); c.-84+864T>C (NM_001382566.1, NM_001382579.1, NM_001382577.1 and 1 more transcripts); short protein forms C4R.
Identifiers: ClinVar variation 4792967 (VCV004792967.1).

ClinVar aggregate classification (germline): Uncertain significance (1 of 4 stars; one submission).

Conditions:
Myopathy with tubular aggregates (TAM). Also called: Tubular Aggregate Myopathy. Identifiers: Orphanet 2593, MedGen C0410207, MONDO:0008051.
Stormorken syndrome (STRMK). Also called: THROMBOCYTOPATHY, ASPLENIA, AND MIOSIS. Identifiers: Orphanet 3204, MedGen C1861451, MONDO:0008497, OMIM 185070.
Combined immunodeficiency due to STIM1 deficiency. Also called: STIM1 DEFICIENCY; IMMUNODEFICIENCY 10. Identifiers: Orphanet 169090, Orphanet 317430, MedGen C2748557, MONDO:0013008, OMIM 612783.

Submission:

Labcorp Genetics (formerly Invitae), Labcorp
Classification: Uncertain significance for Myopathy with tubular aggregates; Combined immunodeficiency due to STIM1 deficiency; Stormorken syndrome. Last evaluated: 2025-06-15. Review status: criteria provided, single submitter. Criteria: Invitae Variant Classification Sherloc (09022015). Collection method: clinical testing. Allele origin: germline.
Comment: This sequence change replaces cysteine, which is neutral and slightly polar, with arginine, which is basic and polar, at codon 4 of the STIM1 protein (p.Cys4Arg). This variant is not present in population databases (gnomAD no frequency). This variant has not been reported in the literature in individuals affected with STIM1-related conditions. Invitae Evidence Modeling of protein sequence and biophysical properties (such as structural, functional, and spatial information, amino acid conservation, physicochemical variation, residue mobility, and thermodynamic stability) indicates that this missense variant is not expected to disrupt STIM1 protein function with a negative predictive value of 95%. In summary, the available evidence is currently insufficient to determine the role of this variant in disease. Therefore, it has been classified as a Variant of Uncertain Significance.